The following is an entry in ClinVar:

NM_000202.8(IDS):c.448_449insG (p.Pro150fs)

Genes: IDS (iduronate 2-sulfatase; minus strand), LOC106050102 (IDS recombination region; plus strand). Cytogenetic location: Xq28.
Variant type: Insertion.
Coding change: c.448_449insG on transcript NM_000202.8 (MANE Select); coding-DNA positions 448 to 449, G inserted.
Protein change: p.Pro150fs; shifts the reading frame from proline 150.
Molecular consequence: frameshift variant. On other transcripts: non-coding transcript variant (1).
Genome position: GRCh38 VCF-style: chrX-149501007-G-GC. GRCh37 (hg19) VCF-style: chrX-148582538-G-GC.
Other names: p.Pro150ArgfsTer3; c.178_179insG, p.Pro60fs (NM_001166550.4); c.448_449insG, p.Pro150fs (NM_006123.5); short protein forms P150fs, P60fs.
Identifiers: ClinVar variation 4755393 (VCV004755393.1).

ClinVar aggregate classification (germline): Likely pathogenic (1 of 4 stars; one submission).

Conditions:
Mucopolysaccharidosis, MPS-II (MPS2). Also called: Mucopolysaccharidosis Type II; Mucopolysaccharidosis type 2; Attenuated MPS (subtype; formerly known as mild MPS II); Severe MPS II; I2S deficiency; MPS 2. Identifiers: Orphanet 580, Orphanet 79388, MedGen C0026705, MONDO:0010674, OMIM 309900.

Submission:

Foundation for Research in Genetics and Endocrinology, FRIGE's Institute of Human Genetics
Classification: Likely pathogenic for Mucopolysaccharidosis, MPS-II. Last evaluated: 2025-05-09. Review status: criteria provided, single submitter. Criteria: ACMG Guidelines, 2015. Collection method: clinical testing. Allele origin: germline. Inheritance: X-linked recessive inheritance. Affected: yes. Observed: 1 hemizygote.
Comment: A hemizygous single base pair insertion in exon 4 of the IDS gene that results in a frameshift and premature truncation of the protein 3 amino acids downstream to codon 150 was detected. This variant has not been reported in the 1000 genomes and gnomAD databases. The in-silico prediction of the variant is damaging MutationTaster2. In summary, the variant meets our criteria to be classified as likely pathogenic